The following is an entry in ClinVar:

ClinVar aggregate classification (germline): Uncertain significance (1 of 4 stars; one submission).

Conditions:
Hereditary cancer-predisposing syndrome. Also called: Neoplastic Syndromes, Hereditary; Tumor predisposition; Hereditary Cancer Syndrome; Hereditary neoplastic syndrome. Identifiers: Orphanet 140162, MedGen C0027672, MeSH D009386, MONDO:0015356.

Submission:

Ambry Genetics
Classification: Uncertain significance for Hereditary cancer-predisposing syndrome. Last evaluated: 2026-03-03. Review status: criteria provided, single submitter. Criteria: Ambry Variant Classification Scheme 2023. Collection method: clinical testing. Allele origin: germline.
Comment: The p.T821A variant (also known as c.2461A>G), located in coding exon 10 of the MET gene, results from an A to G substitution at nucleotide position 2461. The threonine at codon 821 is replaced by alanine, an amino acid with similar properties. This amino acid position is conserved. In addition, the in silico prediction for this alteration is inconclusive. Based on the available evidence, the clinical significance of this variant remains unclear.

NM_000245.4(MET):c.2407A>G (p.Thr803Ala)

Gene: MET (MET proto-oncogene, receptor tyrosine kinase; plus strand). Cytogenetic location: 7q31.2.
Variant type: single nucleotide variant.
Coding change: c.2407A>G on transcript NM_000245.4 (MANE Select); coding-DNA position 2407, A replaced by G.
Protein change: p.Thr803Ala; replaces threonine 803 with alanine.
Molecular consequence: missense variant.
Genome position (GRCh38, 1-based): chr7:116,763,092, A>G. VCF-style: chr7-116763092-A-G. GRCh37 (hg19) VCF-style: chr7-116403146-A-G.
Other names: c.2461A>G, p.Thr821Ala (NM_001127500.3); c.2407A>G, p.Thr803Ala (NM_001324401.3); c.1117A>G, p.Thr373Ala (NM_001324402.2); short protein forms T803A, T373A, T821A.
Identifiers: ClinVar variation 4827494 (VCV004827494.1).